The following is an entry in ClinVar:

NM_001135863.2(ETFBKMT):c.354T>C (p.Ser118=)

Gene: ETFBKMT (electron transfer flavoprotein subunit beta lysine methyltransferase; plus strand). Cytogenetic location: 12p11.21.
Variant type: single nucleotide variant.
Coding change: c.354T>C on transcript NM_001135863.2 (MANE Select); coding-DNA position 354, T replaced by C.
Protein change: p.Ser118=; no amino-acid change (serine 118 retained).
Molecular consequence: synonymous variant.
Genome position (GRCh38, 1-based): chr12:31,666,126, T>C. VCF-style: chr12-31666126-T-C. GRCh37 (hg19) VCF-style: chr12-31819060-T-C.
Other names: c.354T>C, p.Ser118= (NM_173802.4, NM_001135864.2).
Identifiers: ClinVar variation 2642830 (VCV002642830.24), dbSNP rs1301696412, ClinGen allele CA479205132.

ClinVar aggregate classification (germline): Likely benign (1 of 4 stars; one submission).

Allele frequency attached by ClinVar (database versions not stated): gnomAD exomes below 0.00001.
gnomAD v4.1: 1 of 1,613,850 alleles (0.000062%); highest among the groups gnomAD compares: East Asian, 0.0022%; no homozygotes.

Submission:

CeGaT Center for Human Genetics Tuebingen
Classification: Likely benign. Last evaluated: 2022-08-01. Review status: criteria provided, single submitter. Criteria: CeGaT Center For Human Genetics Tuebingen Variant Classification Criteria Version 2. Collection method: clinical testing. Allele origin: germline. Affected: yes. Observed: 1 variant allele.
Comment: ETFBKMT: BP4, BP7